The following is an entry in ClinVar:

ClinVar aggregate classification (germline): Pathogenic/Likely pathogenic. Review status: criteria provided, multiple submitters, no conflicts (2 of 4 stars). 3 submissions from 3 submitters: Pathogenic (2); Likely pathogenic (1). Last evaluated 2025-03-31.

Conditions:
Glycogen storage disease type III (GSD3). Also called: Cori disease; FORBES DISEASE. Identifiers: Orphanet 366, MedGen C0017922, MONDO:0009291, OMIM 232400.

Allele frequency attached by ClinVar (database versions not stated): gnomAD exomes below 0.00001.

Submissions (3):

Labcorp Genetics (formerly Invitae), Labcorp
Classification: Pathogenic for Glycogen storage disease type III. Last evaluated: 2025-03-31. Review status: criteria provided, single submitter. Criteria: Invitae Variant Classification Sherloc (09022015). Collection method: clinical testing. Allele origin: germline.
Comment: This sequence change creates a premature translational stop signal (p.Val1030Phefs*8) in the AGL gene. It is expected to result in an absent or disrupted protein product. Loss-of-function variants in AGL are known to be pathogenic (PMID: 19299494). This variant is not present in population databases (gnomAD no frequency). This variant has not been reported in the literature in individuals affected with AGL-related conditions. ClinVar contains an entry for this variant (Variation ID: 2034911). For these reasons, this variant has been classified as Pathogenic.

Myriad Genetics, Inc.
Classification: Pathogenic for Glycogen storage disease type III. Last evaluated: 2025-03-14. Review status: criteria provided, single submitter. Criteria: Myriad Autosomal Dominant, Autosomal Recessive and X-Linked Classification Criteria (2023). Collection method: clinical testing. Allele origin: unknown.
Comment: NM_000642.2(AGL):c.3088delG(V1030Ffs*8) is expected to be pathogenic in the context of glycogen storage disease type III. This variant is predicted to lead to an abnormal or absent protein product due to the creation of a premature termination codon in AGL, a gene where loss-of-function variants are known to be pathogenic. Please note: this variant was assessed in the context of healthy population screening.

Baylor Genetics
Classification: Likely pathogenic for Glycogen storage disease type III. Last evaluated: 2024-02-05. Review status: criteria provided, single submitter. Criteria: ACMG Guidelines, 2015. Collection method: clinical testing. Allele origin: unknown.

Literature cited by the submitters: PubMed 19299494 (cited by Labcorp Genetics (formerly Invitae), Labcorp).

NM_000642.3(AGL):c.3088del (p.Val1030fs)

Gene: AGL (amylo-alpha-1,6-glucosidase and 4-alpha-glucanotransferase; plus strand). Cytogenetic location: 1p21.2.
Variant type: Deletion.
Coding change: c.3088del on transcript NM_000642.3 (MANE Select); coding-DNA position 3088, one base deleted (G; older notation c.3088delG).
Protein change: p.Val1030fs; shifts the reading frame from valine 1030.
Molecular consequence: frameshift variant.
Genome position (GRCh38, 1-based): chr1:99,892,436, G deleted. VCF-style (leftmost placement, unchanged base first): chr1-99892435-TG-T. GRCh37 (hg19) VCF-style: chr1-100357991-TG-T.
Other names: c.3088delG, p.Val1030Phefs (NM_000028.3, NM_000643.3, NM_000644.3 and 1 more transcripts); c.3040delG, p.Val1014Phefs (NM_000646.3); c.3067delG, p.Val1023Phefs (NM_001425326.1); c.2887delG, p.Val963Phefs (NM_001425327.1); c.2884delG, p.Val962Phefs (NM_001425328.1); c.2749delG, p.Val917Phefs (NM_001425329.1); c.2710delG, p.Val904Phefs (NM_001425332.1); c.3088del (NM_000642.2); short protein forms V1014fs, V1030fs.
Identifiers: ClinVar variation 2034911 (VCV002034911.6), dbSNP rs2524730915, ClinGen allele CA2580063375.